The following is an entry in ClinVar:

NM_173648.4(CCDC141):c.860G>A (p.Arg287Gln)

Gene: CCDC141 (coiled-coil domain containing 141; minus strand). Cytogenetic location: 2q31.2.
Variant type: single nucleotide variant.
Coding change: c.860G>A on transcript NM_173648.4 (MANE Select); coding-DNA position 860, G replaced by A.
Protein change: p.Arg287Gln; replaces arginine 287 with glutamine.
Molecular consequence: missense variant.
Genome position (GRCh38, 1-based): chr2:178,944,572, C>T on the plus strand (G>A on the coding strand, the complement: CCDC141 is on the minus strand). VCF-style: chr2-178944572-C-T. GRCh37 (hg19) VCF-style: chr2-179809299-C-T.
Other names: c.860G>A, p.Arg287Gln (NM_001316745.2); c.860G>A (NM_173648.3); short protein forms R287Q.
Identifiers: ClinVar variation 3017881 (VCV003017881.4), dbSNP rs959221473, ClinGen allele CA61479552.

ClinVar aggregate classification (germline): Uncertain significance. Review status: criteria provided, multiple submitters, no conflicts (2 of 4 stars). 2 submissions from 2 submitters: Uncertain significance (2). Last evaluated 2025-08-25.

Allele frequency attached by ClinVar (database versions not stated): gnomAD 0.00003; gnomAD exomes 0.00007; TOPMed 0.00008.

Submissions (2):

Labcorp Genetics (formerly Invitae), Labcorp
Classification: Uncertain significance. Last evaluated: 2025-08-25. Review status: criteria provided, single submitter. Criteria: Invitae Variant Classification Sherloc (09022015). Collection method: clinical testing. Allele origin: germline.
Comment: This sequence change replaces arginine, which is basic and polar, with glutamine, which is neutral and polar, at codon 287 of the CCDC141 protein (p.Arg287Gln). This variant is present in population databases (no rsID available, gnomAD 0.006%). This variant has not been reported in the literature in individuals affected with CCDC141-related conditions. ClinVar contains an entry for this variant (Variation ID: 3017881). An algorithm developed to predict the effect of missense changes on protein structure and function (PolyPhen-2) suggests that this variant is likely to be tolerated. In summary, the available evidence is currently insufficient to determine the role of this variant in disease. Therefore, it has been classified as a Variant of Uncertain Significance.

Ambry Genetics
Classification: Uncertain significance. Last evaluated: 2024-08-19. Review status: criteria provided, single submitter. Criteria: Ambry Variant Classification Scheme 2023. Collection method: clinical testing. Allele origin: germline.